The following is an entry in ClinVar:

ClinVar aggregate classification (germline): Uncertain significance (1 of 4 stars; one submission).

Submission:

Labcorp Genetics (formerly Invitae), Labcorp
Classification: Uncertain significance. Last evaluated: 2024-11-04. Review status: criteria provided, single submitter. Criteria: Invitae Variant Classification Sherloc (09022015). Collection method: clinical testing. Allele origin: germline.
Comment: This sequence change replaces serine, which is neutral and polar, with arginine, which is basic and polar, at codon 738 of the JAK2 protein (p.Ser738Arg). This variant is not present in population databases (gnomAD no frequency). This variant has not been reported in the literature in individuals affected with JAK2-related conditions. Invitae Evidence Modeling of protein sequence and biophysical properties (such as structural, functional, and spatial information, amino acid conservation, physicochemical variation, residue mobility, and thermodynamic stability) indicates that this missense variant is not expected to disrupt JAK2 protein function with a negative predictive value of 80%. In summary, the available evidence is currently insufficient to determine the role of this variant in disease. Therefore, it has been classified as a Variant of Uncertain Significance.

NM_004972.4(JAK2):c.2214T>G (p.Ser738Arg)

Genes: INSL6 (insulin like 6; minus strand), JAK2 (Janus kinase 2; plus strand). Cytogenetic location: 9p24.1.
Variant type: single nucleotide variant.
Coding change: c.2214T>G on transcript NM_004972.4 (MANE Select); coding-DNA position 2214, T replaced by G.
Protein change: p.Ser738Arg; replaces serine 738 with arginine.
Molecular consequence: missense variant. On other transcripts: non-coding transcript variant (2).
Genome position (GRCh38, 1-based): chr9:5,080,311, T>G. VCF-style: chr9-5080311-T-G. GRCh37 (hg19) VCF-style: chr9-5080311-T-G.
Other names: c.2214T>G, p.Ser738Arg (NM_001322194.2, NM_001322195.2, NM_001322196.2); c.999T>G, p.Ser333Arg (NM_001322198.2, NM_001322199.2); c.1767T>G, p.Ser589Arg (NM_001322204.2); short protein forms S738R, S333R, S589R.
Identifiers: ClinVar variation 3704528 (VCV003704528.2).
Genomic context (GRCh38, chr9:5,080,311, plus strand): 5'-GGTACCACCTGAATGCATTGAAAATCCTAAAAATTTAAATTTGGCAACAGACAAATGGAG[T>G]TTTGGTACCACTTTGTGGGAAATCTGCAGTGGAGGAGATAAACCTCTAAGTGCTCTGGAT-3'
Protein context (NP_004963.1, residues 728-748): KNLNLATDKW[Ser738Arg]FGTTLWEICS